The following is an entry in ClinVar:

NM_001085487.3(MYSM1):c.2422A>T (p.Asn808Tyr)

Gene: MYSM1 (Myb like, SWIRM and MPN domains 1; minus strand). Cytogenetic location: 1p32.1.
Variant type: single nucleotide variant.
Coding change: c.2422A>T on transcript NM_001085487.3 (MANE Select); coding-DNA position 2422, A replaced by T.
Protein change: p.Asn808Tyr; replaces asparagine 808 with tyrosine.
Molecular consequence: missense variant.
Genome position (GRCh38, 1-based): chr1:58,660,062, T>A on the plus strand (A>T on the coding strand, the complement: MYSM1 is on the minus strand). VCF-style: chr1-58660062-T-A. GRCh37 (hg19) VCF-style: chr1-59125734-T-A.
Other names: short protein forms N808Y.
Identifiers: ClinVar variation 1993695 (VCV001993695.4), dbSNP rs2524126444, ClinGen allele CA340517517.

ClinVar aggregate classification (germline): Uncertain significance (1 of 4 stars; one submission).

Submission:

Labcorp Genetics (formerly Invitae), Labcorp
Classification: Uncertain significance. Last evaluated: 2023-01-13. Review status: criteria provided, single submitter. Criteria: Invitae Variant Classification Sherloc (09022015). Collection method: clinical testing. Allele origin: germline.
Comment: This sequence change replaces asparagine, which is neutral and polar, with tyrosine, which is neutral and polar, at codon 808 of the MYSM1 protein (p.Asn808Tyr). This variant is not present in population databases (gnomAD no frequency). This variant has not been reported in the literature in individuals affected with MYSM1-related conditions. Advanced modeling of protein sequence and biophysical properties (such as structural, functional, and spatial information, amino acid conservation, physicochemical variation, residue mobility, and thermodynamic stability) performed at Invitae indicates that this missense variant is not expected to disrupt MYSM1 protein function. In summary, the available evidence is currently insufficient to determine the role of this variant in disease. Therefore, it has been classified as a Variant of Uncertain Significance.